The following is an entry in ClinVar:

NM_007294.4(BRCA1):c.5565A>T (p.Ile1855=)

Gene: BRCA1 (BRCA1 DNA repair associated; minus strand). Cytogenetic location: 17q21.31.
Variant type: single nucleotide variant.
Coding change: c.5565A>T on transcript NM_007294.4 (MANE Select); coding-DNA position 5565, A replaced by T.
Protein change: p.Ile1855=; no amino-acid change (isoleucine 1855 retained).
Molecular consequence: synonymous variant. On other transcripts: 3 prime UTR variant (17).
Genome position (GRCh38, 1-based): chr17:43,045,705, T>A on the plus strand (A>T on the coding strand, the complement: BRCA1 is on the minus strand). VCF-style: chr17-43045705-T-A. GRCh37 (hg19) VCF-style: chr17-41197722-T-A.
Other names: c.5424A>T, p.Ile1808= (NM_001407728.1, NM_001407729.1, NM_001407730.1 and 12 more transcripts); c.5421A>T, p.Ile1807= (NM_001407732.1, NM_001407733.1, NM_001407734.1 and 18 more transcripts); c.5418A>T, p.Ile1806= (NM_001407838.1, NM_001407839.1, NM_001407841.1 and 12 more transcripts); c.*79A>T (NM_001407854.1, NM_001407858.1, NM_001407859.1 and 14 more transcripts); c.5364A>T, p.Ile1788= (NM_001407862.1); c.5361A>T, p.Ile1787= (NM_001407863.1); c.5358A>T, p.Ile1786= (NM_001407874.1, NM_001407875.1); c.5355A>T, p.Ile1785= (NM_001407879.1, NM_001407881.1, NM_001407882.1 and 5 more transcripts); and 74 more.
Identifiers: ClinVar variation 869060 (VCV000869060.3), dbSNP rs758449088, ClinGen allele CA500142878.

Conditions:
Breast-ovarian cancer, familial, susceptibility to, 1 (BROVCA1). Also called: BRCA1 Hereditary Breast and Ovarian Cancer; OVARIAN CANCER, SUSCEPTIBILITY TO. Identifiers: Orphanet 145, MedGen C2676676, MONDO:0011450, OMIM 604370. Disease mechanism: loss of function.

Allele frequency attached by ClinVar (database versions not stated): gnomAD exomes below 0.00001.
gnomAD v4.1: 1 of 1,613,442 alleles (0.000062%); highest among the groups gnomAD compares: South Asian, 0.0011%; no homozygotes.

Submission:

Brotman Baty Institute, University of Washington
No classification provided (evidence only). Condition: Breast-ovarian cancer, familial 1. Review status: no classification provided. Collection method: in vitro. Allele origin: not applicable. Functional consequence: functionally_normal.
ClinVar note: "not provided" was previously submitted as the classification for the variant. However, the classification appeared to be based only on an observation of functional data so it was converted to no classification on 2025-07-30.